The following is an entry in ClinVar:

NM_001369.3(DNAH5):c.3025A>C (p.Ile1009Leu)

Genes: DNAH5 (dynein axonemal heavy chain 5; minus strand), DNAH5-AS1 (DNAH5 antisense RNA 1; plus strand). Cytogenetic location: 5p15.2.
Variant type: single nucleotide variant.
Coding change: c.3025A>C on transcript NM_001369.3 (MANE Select); coding-DNA position 3025, A replaced by C.
Protein change: p.Ile1009Leu; replaces isoleucine 1009 with leucine.
Molecular consequence: missense variant.
Genome position (GRCh38, 1-based): chr5:13,883,053, T>G on the plus strand (A>C on the coding strand, the complement: DNAH5 is on the minus strand). VCF-style: chr5-13883053-T-G. GRCh37 (hg19) VCF-style: chr5-13883162-T-G.
Other names: short protein forms I1009L.
Identifiers: ClinVar variation 1978194 (VCV001978194.5), dbSNP rs748538358, ClinGen allele CA3204413.

ClinVar aggregate classification (germline): Uncertain significance (1 of 4 stars; one submission).

Conditions:
Primary ciliary dyskinesia. Also called: Ciliary dyskinesia. Identifiers: Orphanet 244, MedGen C0008780, MONDO:0016575, HP:0012265.

Allele frequency attached by ClinVar (database versions not stated): TOPMed below 0.00001; gnomAD 0.00001; ExAC 0.00002.
gnomAD v4.1: 39 of 1,614,024 alleles (0.0024%); highest among the groups gnomAD compares: Non-Finnish European, 0.0031%; no homozygotes.

Submission:

Labcorp Genetics (formerly Invitae), Labcorp
Classification: Uncertain significance for Primary ciliary dyskinesia. Last evaluated: 2024-11-11. Review status: criteria provided, single submitter. Criteria: Invitae Variant Classification Sherloc (09022015). Collection method: clinical testing. Allele origin: germline.
Comment: This sequence change replaces isoleucine, which is neutral and non-polar, with leucine, which is neutral and non-polar, at codon 1009 of the DNAH5 protein (p.Ile1009Leu). This variant is present in population databases (rs748538358, gnomAD 0.003%). This variant has not been reported in the literature in individuals affected with DNAH5-related conditions. ClinVar contains an entry for this variant (Variation ID: 1978194). Invitae Evidence Modeling of protein sequence and biophysical properties (such as structural, functional, and spatial information, amino acid conservation, physicochemical variation, residue mobility, and thermodynamic stability) indicates that this missense variant is not expected to disrupt DNAH5 protein function with a negative predictive value of 95%. In summary, the available evidence is currently insufficient to determine the role of this variant in disease. Therefore, it has been classified as a Variant of Uncertain Significance.